The following continues an entry in ClinVar:

NM_001384140.1(PCDH15):c.7C>T (p.Arg3Ter)

Gene: PCDH15. ClinVar aggregate classification (germline): Pathogenic. Pathogenic (13).

Submissions 11 to 18 of 18:

Laboratory for Molecular Medicine, Mass General Brigham Personalized Medicine
Classification: Pathogenic for Rare genetic deafness. Last evaluated: 2017-02-07. Review status: criteria provided, single submitter. Criteria: LMM Criteria. Collection method: clinical testing. Allele origin: germline. Inheritance: Autosomal recessive inheritance. Observed: 1 variant allele.
Comment: The p.Arg3X variant in PCDH15 has been reported in 10 individuals with Usher syn drome (including 7 homozygous and 1 compound heterozygous) and segregated with d isease in 10 affected relatives from 2 families (Alagramam 2001, Roux 2011, Ahme d 2008, Ahmed 2001, Aparisi 2014, Bonnet 2016, Jaijo 2009, Perreault-Micale 2014 ). This variant has been identified in (1/14512) of Asian chromosomes by the Exo me Aggregation Consortium (ExAC; dbSNP rs1378530 01); however, this low frequency in the general population is consistent with th e carrier frequency for recessive hearing loss. This nonsense variant leads to a premature termination codon at position 3, which is predicted to lead to a trun cated or absent protein. Loss of PCDH15 function is an established disease mecha nism for Usher syndrome. In summary, this variant meets criteria to be classifie d as pathogenic for autosomal recessive Usher syndrome based on its presence in the homozygous or compound heterozygous state in multiple affected individuals, segregation with disease in multiple affected relatives, extremely low frequency in the general population, and its predicted impact on the protein.

CeGaT Center for Human Genetics Tuebingen
Classification: Pathogenic. Last evaluated: 2016-10-01. Review status: criteria provided, single submitter. Criteria: CeGaT Center For Human Genetics Tuebingen Variant Classification Criteria Version 2. Collection method: clinical testing. Allele origin: germline. Affected: yes. Observed: 1 variant allele.

Juno Genomics, Hangzhou Juno Genomics, Inc
Classification: Pathogenic for Autosomal recessive nonsyndromic hearing loss 23; Usher syndrome type 1D; Usher syndrome type 1F. Review status: criteria provided, single submitter. Criteria: ACMG Guidelines, 2015. Collection method: clinical testing. Allele origin: germline.
Comment: Absent from controls (or at extremely low frequency if recessive) in Genome Aggregation Database.;Null variant in a gene where loss of function (LOF) is a known mechanism of disease.;For recessive disorders, detected in trans with a pathogenic variant.;Co-segregation with disease in multiple affected family members.

Genetic Testing Center for Deafness, Department of Otolaryngology Head & Neck Surgery, Institute of Otolaryngology, Chinese PLA General Hospital
Classification: Pathogenic for Autosomal recessive nonsyndromic hearing loss 23. Last evaluated: 2019-02-26. Review status: no assertion criteria provided. Collection method: case-control. Allele origin: inherited. Affected: yes. Observed: 1 variant allele. Not counted in ClinVar's aggregate classification.

Counsyl
Classification: Likely pathogenic for Usher syndrome, type 1F. Last evaluated: 2014-12-15. Review status: no assertion criteria provided. Collection method: literature only. Allele origin: unknown. Inheritance: Autosomal recessive inheritance. Not counted in ClinVar's aggregate classification.

OMIM
Classification: Pathogenic for USHER SYNDROME, TYPE IF. Last evaluated: 2001-07-01. Review status: no assertion criteria provided. Collection method: literature only. Allele origin: germline. Not counted in ClinVar's aggregate classification.

Clinical Genetics DNA and cytogenetics Diagnostics Lab, Erasmus MC, Erasmus Medical Center
Classification: Pathogenic. Review status: no assertion criteria provided. Collection method: clinical testing. Allele origin: germline. Affected: yes. Study: VKGL Data-share Consensus. Not counted in ClinVar's aggregate classification.

Joint Genome Diagnostic Labs from Nijmegen and Maastricht, Radboudumc and MUMC+
Classification: Pathogenic. Review status: no assertion criteria provided. Collection method: clinical testing. Allele origin: germline. Affected: yes. Study: VKGL Data-share Consensus. Not counted in ClinVar's aggregate classification.

Literature cited by the submitters: PubMed 18719945 (cited by 3 submitters); PubMed 11487575 (cited by 4 submitters); PubMed 25404053 (cited by 3 submitters); PubMed 27440999 (cited by Labcorp Genetics (formerly Invitae), Labcorp); PubMed 27460420 (cited by Labcorp Genetics (formerly Invitae), Labcorp and Laboratory for Molecular Medicine, Mass General Brigham Personalized Medicine); PubMed 11398101 (cited by 5 submitters); PubMed 14570705 (cited by Labcorp Genetics (formerly Invitae), Labcorp); PubMed 24705292 (cited by Women's Health and Genetics/Laboratory Corporation of America, LabCorp); PubMed 19683999 (cited by 3 submitters); PubMed 25307757 (cited by Women's Health and Genetics/Laboratory Corporation of America, LabCorp and Laboratory for Molecular Medicine, Mass General Brigham Personalized Medicine); PubMed 21436283 (cited by 3 submitters).